The following is an entry in ClinVar:

NM_001005242.3(PKP2):c.405C>T (p.Ser135=)

Gene: PKP2 (plakophilin 2; minus strand). Cytogenetic location: 12p11.21.
Variant type: single nucleotide variant.
Coding change: c.405C>T on transcript NM_001005242.3 (MANE Select); coding-DNA position 405, C replaced by T.
Protein change: p.Ser135=; no amino-acid change (serine 135 retained).
Molecular consequence: synonymous variant.
Genome position (GRCh38, 1-based): chr12:32,878,475, G>A on the plus strand (C>T on the coding strand, the complement: PKP2 is on the minus strand). VCF-style: chr12-32878475-G-A. GRCh37 (hg19) VCF-style: chr12-33031409-G-A.
Other names: c.405C>T, p.Ser135= (NM_004572.4).
Identifiers: ClinVar variation 922917 (VCV000922917.13), dbSNP rs775423741, ClinGen allele CA037243.

ClinVar aggregate classification (germline): Likely benign. Review status: criteria provided, multiple submitters, no conflicts (2 of 4 stars). 4 submissions from 4 submitters: Likely benign (4). Last evaluated 2025-03-16.

Conditions:
Cardiovascular phenotype. Identifiers: MedGen CN230736.
Arrhythmogenic right ventricular cardiomyopathy (ARVD). Also called: Arrhythmogenic cardiomyopathy; Cardiomyopathy, ARVC; Arrhythmogenic right ventricular dysplasia; Arrhythmogenic Right Ventricular Cardiomyopathy (ARVC). Identifiers: Orphanet 247, MedGen C0349788, MeSH D019571, MONDO:0016587. Disease mechanism: loss of function. Inheritance: Various modes of inheritance.
Cardiomyopathy (CMYO). Also called: Cardiomyopathies. Identifiers: Orphanet 167848, MedGen C0878544, MONDO:0004994, HP:0001638. Inheritance: Various modes of inheritance.
Arrhythmogenic right ventricular dysplasia 9 (ARVD9). Also called: Arrhythmogenic Right Ventricular Dysplasia/Cardiomyopathy 9; ARRHYTHMOGENIC RIGHT VENTRICULAR DYSPLASIA, FAMILIAL, 9. Identifiers: MedGen C1836906, MONDO:0012180, OMIM 609040.

Allele frequency attached by ClinVar (database versions not stated): gnomAD 0.00001; TOPMed 0.00001; ExAC 0.00002; gnomAD exomes 0.00002.
gnomAD v4.1: 37 of 1,613,768 alleles (0.0023%); highest among the groups gnomAD compares: Non-Finnish European, 0.0027%; no homozygotes.

Submissions (4):

Labcorp Genetics (formerly Invitae), Labcorp
Classification: Likely benign for Arrhythmogenic right ventricular dysplasia 9. Last evaluated: 2025-03-16. Review status: criteria provided, single submitter. Criteria: Invitae Variant Classification Sherloc (09022015). Collection method: clinical testing. Allele origin: germline.

All of Us Research Program, National Institutes of Health
Classification: Likely benign for Arrhythmogenic right ventricular cardiomyopathy. Last evaluated: 2023-09-17. Review status: criteria provided, single submitter. Criteria: ACMG Guidelines, 2015. Collection method: clinical testing. Allele origin: germline. Inheritance: Autosomal dominant inheritance. Observed: 5 variant alleles, 5 heterozygotes.
Comment: This study involves interpretation of variants in research participants for the purpose of population health screening. Participant phenotype was not available at the time of variant classification. Additional details can be found in publication PMID: 35346344, PMCID: PMC8962531

Ambry Genetics
Classification: Likely benign for Cardiovascular phenotype. Last evaluated: 2022-04-04. Review status: criteria provided, single submitter. Criteria: Ambry Variant Classification Scheme 2023. Collection method: clinical testing. Allele origin: germline.

Color Diagnostics, LLC DBA Color Health
Classification: Likely benign for Cardiomyopathy. Last evaluated: 2018-12-31. Review status: criteria provided, single submitter. Criteria: ACMG Guidelines, 2015. Collection method: clinical testing. Allele origin: germline.